The following is an entry in ClinVar:

NM_000575.5(IL1A):c.*10C>T

Gene: IL1A (interleukin 1 alpha; minus strand). Cytogenetic location: 2q14.1.
Variant type: single nucleotide variant.
Coding change: c.*10C>T on transcript NM_000575.5 (MANE Select); 10 bases downstream of the stop codon, C replaced by T.
Molecular consequence: 3 prime UTR variant.
Genome position (GRCh38, 1-based): chr2:112,775,057, G>A on the plus strand (C>T on the coding strand, the complement: IL1A is on the minus strand). VCF-style: chr2-112775057-G-A. GRCh37 (hg19) VCF-style: chr2-113532634-G-A.
Other names: c.*10C>T (NM_001371554.1).
Identifiers: ClinVar variation 3056044 (VCV003056044.2), dbSNP rs376303319, ClinGen allele CA1837010.

ClinVar aggregate classification (germline): Likely benign (0 of 4 stars; one submission).

Conditions:
IL1A-related disorder. Also called: IL1A-related condition.

Allele frequency attached by ClinVar (database versions not stated): gnomAD exomes 0.00010; ExAC 0.00031; gnomAD 0.00107; 1000 Genomes Project 30x 0.00109; TOPMed 0.00111; 1000 Genomes Project 0.00120; ESP Exome Variant Server 0.00146.
gnomAD v4.1: 312 of 1,609,634 alleles (0.019%); highest among the groups gnomAD compares: African/African-American, 0.39%; no homozygotes.

Submission:

PreventionGenetics, part of Exact Sciences
Classification: Likely benign for IL1A-related condition. Last evaluated: 2019-04-30. Review status: no assertion criteria provided. Collection method: clinical testing. Allele origin: germline.
Comment: This variant is classified as likely benign based on ACMG/AMP sequence variant interpretation guidelines (Richards et al. 2015 PMID: 25741868, with internal and published modifications).